The following is an entry in ClinVar:

ClinVar aggregate classification (germline): Uncertain significance (1 of 4 stars; one submission).

Allele frequency attached by ClinVar (database versions not stated): gnomAD exomes 0.00001.
gnomAD v4.1: 8 of 1,614,158 alleles (0.0005%); highest among the groups gnomAD compares: Non-Finnish European, 0.00068%; no homozygotes.

Submission:

Labcorp Genetics (formerly Invitae), Labcorp
Classification: Uncertain significance. Last evaluated: 2023-09-22. Review status: criteria provided, single submitter. Criteria: Invitae Variant Classification Sherloc (09022015). Collection method: clinical testing. Allele origin: germline.
Comment: This variant has not been reported in the literature in individuals affected with KMT2E-related conditions. This sequence change replaces serine, which is neutral and polar, with proline, which is neutral and non-polar, at codon 1301 of the KMT2E protein (p.Ser1301Pro). This variant is not present in population databases (gnomAD no frequency). An algorithm developed to predict the effect of missense changes on protein structure and function (PolyPhen-2) suggests that this variant is likely to be tolerated. In summary, the available evidence is currently insufficient to determine the role of this variant in disease. Therefore, it has been classified as a Variant of Uncertain Significance.

NM_182931.3(KMT2E):c.3901T>C (p.Ser1301Pro)

Gene: KMT2E (lysine methyltransferase 2E (inactive); plus strand). Cytogenetic location: 7q22.3.
Variant type: single nucleotide variant.
Coding change: c.3901T>C on transcript NM_182931.3 (MANE Select); coding-DNA position 3901, T replaced by C.
Protein change: p.Ser1301Pro; replaces serine 1301 with proline.
Molecular consequence: missense variant. On other transcripts: intron variant (1).
Genome position (GRCh38, 1-based): chr7:105,110,533, T>C. VCF-style: chr7-105110533-T-C. GRCh37 (hg19) VCF-style: chr7-104750980-T-C.
Other names: c.3901T>C, p.Ser1301Pro (NM_018682.4); c.3844+165T>C (NM_001410908.1); short protein forms S1301P.
Identifiers: ClinVar variation 2762702 (VCV002762702.3), dbSNP rs2536518542, ClinGen allele CA368790903.